The following is an entry in ClinVar:

ClinVar aggregate classification (germline): Uncertain significance (1 of 4 stars; one submission).

Submission:

Women's Health and Genetics/Laboratory Corporation of America, LabCorp
Classification: Uncertain significance. Last evaluated: 2026-01-06. Review status: criteria provided, single submitter. Criteria: LabCorp Variant Classification Summary - May 2015. Collection method: clinical testing. Allele origin: germline.
Comment: Variant summary: COL1A1 c.2014C>T (p.Pro672Ser) results in a non-conservative amino acid change in the encoded protein sequence. Algorithms developed to predict the effect of missense changes on protein structure and function all suggest that this variant is likely to be disruptive. The variant was absent in 247552 control chromosomes (gnomAD). The available data on variant occurrences in the general population are insufficient to allow any conclusion about variant significance. To our knowledge, no occurrence of c.2014C>T in individuals affected with COL1A1-related conditions and no experimental evidence demonstrating its impact on protein function have been reported. No submitters have cited clinical-significance assessments for this variant to ClinVar. Based on the evidence outlined above, the variant was classified as uncertain significance.

NM_000088.4(COL1A1):c.2014C>T (p.Pro672Ser)

Gene: COL1A1 (collagen type I alpha 1 chain; minus strand). Cytogenetic location: 17q21.33.
Variant type: single nucleotide variant.
Coding change: c.2014C>T on transcript NM_000088.4 (MANE Select); coding-DNA position 2014, C replaced by T.
Protein change: p.Pro672Ser; replaces proline 672 with serine.
Molecular consequence: missense variant.
Genome position (GRCh38, 1-based): chr17:50,191,994, G>A on the plus strand (C>T on the coding strand, the complement: COL1A1 is on the minus strand). VCF-style: chr17-50191994-G-A. GRCh37 (hg19) VCF-style: chr17-48269355-G-A.
Other names: short protein forms P672S.
Identifiers: ClinVar variation 4689618 (VCV004689618.1).
Genomic context (GRCh38, chr17:50,191,994, plus strand): 5'-CAAGTACGACGCACCTTGACGGATGCAGCGAGAGAGGCCTACTTACTCTTGCTCCAGAGG[G>A]GCCAGGGGCGCCAAGGTCTCCAGGAACACCCTGAGGGGGAGGGAGAGAGGAACAGACAGT-3'
Protein context (NP_000079.2, residues 662-682): GVPGDLGAPG[Pro672Ser]SGARGERGFP